The following is an entry in ClinVar:

NM_032208.3(ANTXR1):c.712C>T (p.Gln238Ter)

Gene: ANTXR1 (ANTXR cell adhesion molecule 1; plus strand). Cytogenetic location: 2p13.3.
Variant type: single nucleotide variant.
Coding change: c.712C>T on transcript NM_032208.3 (MANE Select); coding-DNA position 712, C replaced by T.
Protein change: p.Gln238Ter; replaces glutamine 238 with a stop codon.
Molecular consequence: nonsense.
Genome position (GRCh38, 1-based): chr2:69,102,850, C>T. VCF-style: chr2-69102850-C-T. GRCh37 (hg19) VCF-style: chr2-69329982-C-T.
Other names: c.712C>T, p.Gln238Ter (NM_001410840.1, NM_018153.3, NM_053034.2); short protein forms Q238*.
Identifiers: ClinVar variation 3355652 (VCV003355652.1).

ClinVar aggregate classification (germline): Likely pathogenic (0 of 4 stars; one submission).

Conditions:
ANTXR1-related disorder. Also called: ANTXR1-related condition.

Submission:

PreventionGenetics, part of Exact Sciences
Classification: Likely pathogenic for ANTXR1-related condition. Last evaluated: 2024-06-12. Review status: no assertion criteria provided. Collection method: clinical testing. Allele origin: germline.
Comment: The ANTXR1 c.712C>T variant is predicted to result in premature protein termination (p.Gln238*). To our knowledge, this variant has not been reported in the literature or in a large population database, indicating this variant is rare. Nonsense variants in ANTXR1 are expected to be pathogenic. This variant is interpreted as likely pathogenic.